The following is an entry in ClinVar:

ClinVar aggregate classification (germline): Conflicting classifications of pathogenicity. Review status: criteria provided, conflicting classifications (1 of 4 stars). 6 submissions from 6 submitters: Uncertain significance (1); Likely benign (5). Last evaluated 2026-06-22.

Conditions:
Retinoblastoma (RB1). Also called: RETINOBLASTOMA, SOMATIC. Identifiers: Orphanet 790, MedGen C0035335, MeSH D012175, MONDO:0008380, OMIM 180200, HP:0009919. Disease mechanism: loss of function. Inheritance: Both sporadic and heritable forms are tested..
Hereditary cancer-predisposing syndrome. Also called: Tumor predisposition; Hereditary Cancer Syndrome; Hereditary neoplastic syndrome; Neoplastic Syndromes, Hereditary. Identifiers: Orphanet 140162, MedGen C0027672, MeSH D009386, MONDO:0015356.

Allele frequency attached by ClinVar (database versions not stated): ExAC 0.00002; gnomAD 0.00002; TOPMed 0.00002; gnomAD exomes 0.00001.
gnomAD v4.1: 16 of 1,611,680 alleles (0.00099%); highest among the groups gnomAD compares: East Asian, 0.0022%; no homozygotes.

Submissions (6):

Myriad Genetics, Inc.
Classification: Likely benign for Retinoblastoma. Last evaluated: 2026-06-22. Review status: criteria provided, single submitter. Criteria: Myriad Autosomal Dominant, Autosomal Recessive and X-Linked Classification Criteria (2023). Collection method: clinical testing. Allele origin: unknown.
Comment: This variant is considered likely benign. This variant is intronic and is not expected to impact mRNA splicing.

Labcorp Genetics (formerly Invitae), Labcorp
Classification: Likely benign for Retinoblastoma. Last evaluated: 2025-11-03. Review status: criteria provided, single submitter. Criteria: Invitae Variant Classification Sherloc (09022015). Collection method: clinical testing. Allele origin: germline.

ARUP Laboratories, Molecular Genetics and Genomics, ARUP Laboratories
Classification: Likely benign. Last evaluated: 2025-02-26. Review status: criteria provided, single submitter. Criteria: ARUP Molecular Germline Variant Investigation Process 2024. Collection method: clinical testing. Allele origin: germline.

All of Us Research Program, National Institutes of Health
Classification: Likely benign for Retinoblastoma. Last evaluated: 2023-11-20. Review status: criteria provided, single submitter. Criteria: ACMG Guidelines, 2015. Collection method: clinical testing. Allele origin: germline. Inheritance: Autosomal dominant inheritance. Observed: 5 variant alleles, 5 heterozygotes.
Comment: This study involves interpretation of variants in research participants for the purpose of population health screening. Participant phenotype was not available at the time of variant classification. Additional details can be found in publication PMID: 35346344, PMCID: PMC8962531

Color Diagnostics, LLC DBA Color Health
Classification: Likely benign for Retinoblastoma. Last evaluated: 2022-05-12. Review status: criteria provided, single submitter. Criteria: ACMG Guidelines, 2015. Collection method: clinical testing. Allele origin: germline.

Sema4
Classification: Uncertain significance for Hereditary cancer-predisposing syndrome. Last evaluated: 2021-09-25. Review status: criteria provided, single submitter. Criteria: Sema4 Curation Guidelines. Collection method: curation. Allele origin: germline.
Comment: The RB1 c.2714-7T>C variant has not been reported in the literature to our knowledge. It was observed in 4/280714 chromosomes among all subpopulations in the large and broad cohorts of the Genome Aggregation Database (PMID: 32461654). The variant has been reported in ClinVar (Variation ID: 790993). In silico tools developed to predict the effect of sequence changes on RNA splicing do not suggest negative effect on normal splicing, though these predictions have not been confirmed by functional studies. The evidence is insufficient to meet ACMG/AMP criteria for classifying the variant as benign or pathogenic. Thus, the clinical significance of this variant is currently uncertain.

NM_000321.3(RB1):c.2714-7T>C

Gene: RB1 (RB transcriptional corepressor 1; plus strand). Cytogenetic location: 13q14.2.
Variant type: single nucleotide variant.
Coding change: c.2714-7T>C on transcript NM_000321.3 (MANE Select); 7 bases into the intron before coding-DNA position 2714, T replaced by C.
Molecular consequence: intron variant.
Genome position (GRCh38, 1-based): chr13:48,479,991, T>C. VCF-style: chr13-48479991-T-C. GRCh37 (hg19) VCF-style: chr13-49054127-T-C.
Identifiers: ClinVar variation 790993 (VCV000790993.16), dbSNP rs751697681, ClinGen allele CA037347.